The following is an entry in ClinVar:

NM_001001548.3(CD36):c.1142T>G (p.Leu381Ter)

Gene: CD36 (CD36 molecule (CD36 blood group); plus strand). Cytogenetic location: 7q21.11.
Variant type: single nucleotide variant.
Coding change: c.1142T>G on transcript NM_001001548.3 (MANE Select); coding-DNA position 1142, T replaced by G.
Protein change: p.Leu381Ter; replaces leucine 381 with a stop codon.
Molecular consequence: nonsense. On other transcripts: non-coding transcript variant (1).
Genome position (GRCh38, 1-based): chr7:80,672,786, T>G. VCF-style: chr7-80672786-T-G. GRCh37 (hg19) VCF-style: chr7-80302102-T-G.
Other names: c.1142T>G, p.Leu381Ter (NM_000072.3, NM_001001547.3, NM_001127443.2 and 5 more transcripts); c.1025T>G, p.Leu342Ter (NM_001289908.1); c.962T>G, p.Leu321Ter (NM_001289909.1); c.914T>G, p.Leu305Ter (NM_001289911.2); c.1040T>G, p.Leu347Ter (NM_001371079.1); c.677T>G, p.Leu226Ter (NM_001371080.1, NM_001371081.1); short protein forms L226*, L305*, L321*, L342*, L347*, L381*.
Identifiers: ClinVar variation 1012319 (VCV001012319.5), dbSNP rs775478465, ClinGen allele CA4315630.
Genomic context (GRCh38, chr7:80,672,786, plus strand): 5'-AATGTTTTTAAAAGTTGGTAATTATTTAGTTGTTCTCTTTTTAGATAACTGGATTCACTT[T>G]ACAATTTGCAAAACGGCTGCAGGTCAACCTATTGGTCAAGCCATCAGAAAAAATTCAGTG-3'

ClinVar aggregate classification (germline): Pathogenic/Likely pathogenic. Review status: criteria provided, multiple submitters, no conflicts (2 of 4 stars). 2 submissions from 2 submitters: Pathogenic (1); Likely pathogenic (1). Last evaluated 2020-12-20.

Conditions:
Platelet-type bleeding disorder 10. Also called: CD36 DEFICIENCY. Identifiers: MedGen C1842090, MONDO:0012031, OMIM 608404.

Allele frequency attached by ClinVar (database versions not stated): gnomAD exomes below 0.00001 and 0.00002; gnomAD 0.00001; TOPMed 0.00002; ExAC 0.00002.
gnomAD v4.1: 8 of 1,609,466 alleles (0.0005%); highest among the groups gnomAD compares: East Asian, 0.018%; no homozygotes.

Submissions (2):

Beijing Key Laboratry for Genetics of Birth Defects, Beijing Children's Hospital
Classification: Likely pathogenic for Platelet-type bleeding disorder 10. Last evaluated: 2020-12-20. Review status: criteria provided, single submitter. Criteria: ACMG Guidelines, 2015. Collection method: clinical testing. Allele origin: germline. Affected: yes. Observed: 1 variant allele.

Juno Genomics, Hangzhou Juno Genomics, Inc
Classification: Pathogenic for Platelet-type bleeding disorder 10. Review status: criteria provided, single submitter. Criteria: ACMG Guidelines, 2015. Collection method: clinical testing. Allele origin: germline. Affected: yes.
Comment: Absent from controls (or at extremely low frequency if recessive) in Genome Aggregation Database.;Null variant in a gene where loss of function (LOF) is a known mechanism of disease.;For recessive disorders, detected in trans with a pathogenic variant.;Patient's phenotype or family history is highly specific for a disease with a single genetic etiology.